The following is an entry in ClinVar:

NM_001378615.1(CC2D2A):c.4640G>A (p.Arg1547Lys)

Genes: CC2D2A (coiled-coil and C2 domain containing 2A; plus strand), FBXL5 (F-box and leucine rich repeat protein 5; minus strand). Cytogenetic location: 4p15.32.
Variant type: single nucleotide variant.
Coding change: c.4640G>A on transcript NM_001378615.1 (MANE Select); coding-DNA position 4640, G replaced by A.
Protein change: p.Arg1547Lys; replaces arginine 1547 with lysine.
Molecular consequence: missense variant.
Genome position (GRCh38, 1-based): chr4:15,599,672, G>A. VCF-style: chr4-15599672-G-A. GRCh37 (hg19) VCF-style: chr4-15601295-G-A.
Other names: c.4640G>A, p.Arg1547Lys (NM_001080522.2); c.4493G>A, p.Arg1498Lys (NM_001378617.1); short protein forms R1498K, R1547K.
Identifiers: ClinVar variation 1507318 (VCV001507318.7), dbSNP rs760048536, ClinGen allele CA2864427.

ClinVar aggregate classification (germline): Uncertain significance. Review status: criteria provided, multiple submitters, no conflicts (2 of 4 stars). 2 submissions from 2 submitters: Uncertain significance (2). Last evaluated 2024-08-13.

Conditions:
Inborn genetic diseases. Identifiers: MedGen C0950123, MeSH D030342.
Joubert syndrome. Also called: JOUBERT-BOLTSHAUSER SYNDROME; Familial aplasia of the vermis. Identifiers: Orphanet 475, MedGen C5979921, MONDO:0018772.
Meckel-Gruber syndrome. Also called: DYSENCEPHALIA SPLANCHNOCYSTICA; GRUBER SYNDROME; Dysencephalia splachnocystica. Identifiers: Orphanet 564, MedGen C0265215, MONDO:0018921.

Allele frequency attached by ClinVar (database versions not stated): gnomAD 0.00001; gnomAD exomes 0.00001 and 0.00003; TOPMed 0.00001; ExAC 0.00003.
gnomAD v4.1: 9 of 1,612,888 alleles (0.00056%); highest among the groups gnomAD compares: East Asian, 0.018%; no homozygotes.

Submissions (2):

Labcorp Genetics (formerly Invitae), Labcorp
Classification: Uncertain significance for Joubert syndrome; Meckel-Gruber syndrome. Last evaluated: 2024-08-13. Review status: criteria provided, single submitter. Criteria: Invitae Variant Classification Sherloc (09022015). Collection method: clinical testing. Allele origin: germline.
Comment: This sequence change replaces arginine, which is basic and polar, with lysine, which is basic and polar, at codon 1547 of the CC2D2A protein (p.Arg1547Lys). This variant is present in population databases (rs760048536, gnomAD 0.05%). This variant has not been reported in the literature in individuals affected with CC2D2A-related conditions. ClinVar contains an entry for this variant (Variation ID: 1507318). Advanced modeling of protein sequence and biophysical properties (such as structural, functional, and spatial information, amino acid conservation, physicochemical variation, residue mobility, and thermodynamic stability) has been performed at Invitae for this missense variant, however the output from this modeling did not meet the statistical confidence thresholds required to predict the impact of this variant on CC2D2A protein function. In summary, the available evidence is currently insufficient to determine the role of this variant in disease. Therefore, it has been classified as a Variant of Uncertain Significance.

Ambry Genetics
Classification: Uncertain significance for Inborn genetic diseases. Last evaluated: 2024-03-28. Review status: criteria provided, single submitter. Criteria: Ambry Variant Classification Scheme 2023. Collection method: clinical testing. Allele origin: germline.